The following is an entry in ClinVar:

ClinVar aggregate classification (germline): Uncertain significance (1 of 4 stars; one submission).

Conditions:
Mitochondrial DNA depletion syndrome 9 (MTDPS9). Also called: SUCLG1-Related Mitochondrial DNA Depletion Syndrome, Encephalomyopathic Form with Methylmalonic Aciduria. Identifiers: Orphanet 17, MedGen C3151476, MONDO:0009504, OMIM 245400.

Allele frequency attached by ClinVar (database versions not stated): gnomAD exomes 0.00001.
gnomAD v4.1: 12 of 1,550,460 alleles (0.00077%); highest among the groups gnomAD compares: Non-Finnish European, 0.00096%; no homozygotes.

Submission:

Labcorp Genetics (formerly Invitae), Labcorp
Classification: Uncertain significance for Mitochondrial DNA depletion syndrome 9. Last evaluated: 2023-10-13. Review status: criteria provided, single submitter. Criteria: Invitae Variant Classification Sherloc (09022015). Collection method: clinical testing. Allele origin: germline.
Comment: This sequence change replaces serine, which is neutral and polar, with phenylalanine, which is neutral and non-polar, at codon 16 of the SUCLG1 protein (p.Ser16Phe). This variant is not present in population databases (gnomAD no frequency). This variant has not been reported in the literature in individuals affected with SUCLG1-related conditions. ClinVar contains an entry for this variant (Variation ID: 1357801). Advanced modeling of protein sequence and biophysical properties (such as structural, functional, and spatial information, amino acid conservation, physicochemical variation, residue mobility, and thermodynamic stability) has been performed at Invitae for this missense variant, however the output from this modeling did not meet the statistical confidence thresholds required to predict the impact of this variant on SUCLG1 protein function. In summary, the available evidence is currently insufficient to determine the role of this variant in disease. Therefore, it has been classified as a Variant of Uncertain Significance.

NM_003849.4(SUCLG1):c.47C>T (p.Ser16Phe)

Gene: SUCLG1 (succinate-CoA ligase GDP/ADP-forming subunit alpha; minus strand). Cytogenetic location: 2p11.2.
Variant type: single nucleotide variant.
Coding change: c.47C>T on transcript NM_003849.4 (MANE Select); coding-DNA position 47, C replaced by T.
Protein change: p.Ser16Phe; replaces serine 16 with phenylalanine.
Molecular consequence: missense variant.
Genome position (GRCh38, 1-based): chr2:84,459,223, G>A on the plus strand (C>T on the coding strand, the complement: SUCLG1 is on the minus strand). VCF-style: chr2-84459223-G-A. GRCh37 (hg19) VCF-style: chr2-84686347-G-A.
Other names: short protein forms S16F.
Identifiers: ClinVar variation 1357801 (VCV001357801.6), dbSNP rs2104276991, ClinGen allele CA347518544.